The following is an entry in ClinVar:

ClinVar aggregate classification (germline): Uncertain significance (1 of 4 stars; one submission).

Conditions:
Osteofibrous dysplasia (OSFD). Also called: Tibia, bowing of, with pseudarthrosis and pectus excavatum. Identifiers: Orphanet 488265, MedGen C4085248, MONDO:0011806, OMIM 607278.

Submission:

Laboratorio de Genetica e Diagnostico Molecular, Hospital Israelita Albert Einstein
Classification: Uncertain significance for Osteofibrous dysplasia. Last evaluated: 2022-03-17. Review status: criteria provided, single submitter. Criteria: ACMG Guidelines, 2015. Collection method: clinical testing. Allele origin: germline. Affected: yes. Observed: 1 variant allele.
Comment: ACMG classification criteria: PM2 moderated, BP4 supporting

NM_000245.4(MET):c.557C>T (p.Ser186Leu)

Gene: MET (MET proto-oncogene, receptor tyrosine kinase; plus strand). Cytogenetic location: 7q31.2.
Variant type: single nucleotide variant.
Coding change: c.557C>T on transcript NM_000245.4 (MANE Select); coding-DNA position 557, C replaced by T.
Protein change: p.Ser186Leu; replaces serine 186 with leucine.
Molecular consequence: missense variant. On other transcripts: intron variant (1).
Genome position (GRCh38, 1-based): chr7:116,699,641, C>T. VCF-style: chr7-116699641-C-T. GRCh37 (hg19) VCF-style: chr7-116339695-C-T.
Other names: c.557C>T, p.Ser186Leu (NM_001127500.3, NM_001324401.3); c.-91+27064C>T (NM_001324402.2); short protein forms S186L.
Identifiers: ClinVar variation 2431674 (VCV002431674.1), dbSNP rs2116591856, ClinGen allele CA368969340.